The following is an entry in ClinVar:

ClinVar aggregate classification (germline): Uncertain significance. Review status: criteria provided, multiple submitters, no conflicts (2 of 4 stars). 8 submissions from 7 submitters: Uncertain significance (7). 1 of the submissions does not count toward it. Last evaluated 2026-08-06.

Conditions:
Bardet-Biedl syndrome 11 (BBS11). Identifiers: Orphanet 110, MedGen C1859569, MONDO:0014439, OMIM 615988.
Sarcotubular myopathy (LGMDR8). Also called: Hutterite type of muscular dystrophy; Limb-girdle muscular dystrophy, type 2H; MUSCULAR DYSTROPHY, LIMB-GIRDLE, AUTOSOMAL RECESSIVE 8; Autosomal recessive limb-girdle muscular dystrophy type 2H. Identifiers: Orphanet 1878, MedGen C0270968, MONDO:0009683, OMIM 254110.
TRIM32-related disorder. Also called: TRIM32-related condition.
Primary familial hypertrophic cardiomyopathy (HCM). Identifiers: Orphanet 99739, MedGen C0949658, MeSH D024741, MONDO:0024573. Inheritance: Various modes of inheritance.
Bardet-Biedl syndrome (BBS). Identifiers: Orphanet 110, MedGen C0752166, MONDO:0015229.

Allele frequency attached by ClinVar (database versions not stated): ExAC 0.00002; gnomAD 0.00003 and 0.00004; TOPMed 0.00003; gnomAD exomes 0.00004 and 0.00007.
gnomAD v4.1: 62 of 1,613,858 alleles (0.0038%); highest among the groups gnomAD compares: East Asian, 0.02%; no homozygotes.

Submissions (8):

OLLIN Analises Genomicas, OLLIN
Classification: Uncertain significance for Sarcotubular myopathy. Last evaluated: 2026-08-06. Review status: criteria provided, single submitter. Criteria: ACMG Guidelines 2015 PMID 25741868. Collection method: clinical testing. Allele origin: germline.
Comment: This missense variant, located in exon 2 (of 2), has been reported in ClinVar (accession VCV000840861.19) and in gnomAD with an allele frequency of 0.0038%. However, to our knowledge, it has not been reported in the scientific literature. In silico analysis predicts that this variant has a tolerated effect. According to the currently available evidence, this variant has been classified as uncertain significance (PM2_P, BP4_M).

Petrovsky National Research Centre of Surgery, The Federal Agency for Scientific Organizations
Classification: Uncertain significance for Primary familial hypertrophic cardiomyopathy. Last evaluated: 2025-12-16. Review status: criteria provided, single submitter. Criteria: ACMG Guidelines, 2015. Collection method: clinical testing. Allele origin: germline. Affected: yes. Observed: 1 variant allele.
Comment: The variant is in The Genome Aggregation Database (gnomAD) v4.1.0 with total 0.00003842. (Date of access 2025-12-16).

Fulgent Genetics
Classification: Uncertain significance for Sarcotubular myopathy; Bardet-Biedl syndrome 11. Last evaluated: 2024-04-03. Review status: criteria provided, single submitter. Criteria: ACMG Guidelines, 2015. Collection method: clinical testing. Allele origin: germline.

Labcorp Genetics (formerly Invitae), Labcorp
Classification: Uncertain significance for Bardet-Biedl syndrome. Last evaluated: 2022-03-18. Review status: criteria provided, single submitter. Criteria: Invitae Variant Classification Sherloc (09022015). Collection method: clinical testing. Allele origin: germline.
Comment: This sequence change replaces arginine, which is basic and polar, with glutamine, which is neutral and polar, at codon 101 of the TRIM32 protein (p.Arg101Gln). This variant is present in population databases (rs758882829, gnomAD 0.05%). This variant has not been reported in the literature in individuals affected with TRIM32-related conditions. ClinVar contains an entry for this variant (Variation ID: 840861). Algorithms developed to predict the effect of missense changes on protein structure and function (SIFT, PolyPhen-2, Align-GVGD) all suggest that this variant is likely to be tolerated. Algorithms developed to predict the effect of sequence changes on RNA splicing suggest that this variant may create or strengthen a splice site. In summary, the available evidence is currently insufficient to determine the role of this variant in disease. Therefore, it has been classified as a Variant of Uncertain Significance.

Mayo Clinic Laboratories, Mayo Clinic
Classification: Uncertain significance. Last evaluated: 2019-07-28. Review status: criteria provided, single submitter. Criteria: ACMG Guidelines, 2015. Collection method: clinical testing. Allele origin: germline.

Illumina Laboratory Services, Illumina
Classification: Uncertain significance for Bardet-Biedl syndrome 11. Last evaluated: 2018-01-12. Review status: criteria provided, single submitter. Criteria: ICSL Variant Classification Criteria 13 December 2019. Collection method: clinical testing. Allele origin: germline.

Illumina Laboratory Services, Illumina
Classification: Uncertain significance for Sarcotubular myopathy. Last evaluated: 2018-01-12. Review status: criteria provided, single submitter. Criteria: ICSL Variant Classification Criteria 13 December 2019. Collection method: clinical testing. Allele origin: germline.

PreventionGenetics, part of Exact Sciences
Classification: Uncertain significance for TRIM32-related condition. Last evaluated: 2024-06-10. Review status: no assertion criteria provided. Collection method: clinical testing. Allele origin: germline. Not counted in ClinVar's aggregate classification.
Comment: The TRIM32 c.302G>A variant is predicted to result in the amino acid substitution p.Arg101Gln. To our knowledge, this variant has not been reported in the literature. This variant is reported in 0.048% of alleles in individuals of Ashkenazi Jewish descent in gnomAD. At this time, the clinical significance of this variant is uncertain due to the absence of conclusive functional and genetic evidence.

NM_012210.4(TRIM32):c.302G>A (p.Arg101Gln)

Genes: ASTN2 (astrotactin 2; minus strand), TRIM32 (tripartite motif containing 32; plus strand). Cytogenetic location: 9q33.1.
Variant type: single nucleotide variant.
Coding change: c.302G>A on transcript NM_012210.4 (MANE Select); coding-DNA position 302, G replaced by A.
Protein change: p.Arg101Gln; replaces arginine 101 with glutamine.
Molecular consequence: missense variant. On other transcripts: intron variant (3).
Genome position (GRCh38, 1-based): chr9:116,698,044, G>A. VCF-style: chr9-116698044-G-A. GRCh37 (hg19) VCF-style: chr9-119460323-G-A.
Other names: c.302G>A, p.Arg101Gln (NM_001099679.2, NM_001379048.1, NM_001379049.1 and 1 more transcripts); c.2653+27727C>T (NM_014010.5); c.2794+27727C>T (NM_001365069.1); c.2806+27727C>T (NM_001365068.1); short protein forms R101Q.
Identifiers: ClinVar variation 840861 (VCV000840861.20), dbSNP rs758882829, ClinGen allele CA5210940.